The following is an entry in ClinVar:

ClinVar aggregate classification (germline): Likely benign (1 of 4 stars; one submission).

Allele frequency attached by ClinVar (database versions not stated): 1000 Genomes Project 0.00200; 1000 Genomes Project 30x 0.00250; ESP Exome Variant Server 0.00277; gnomAD exomes 0.00342; ExAC 0.00451.
gnomAD v4.1: 5,296 of 1,602,190 alleles (0.33%); highest among the groups gnomAD compares: South Asian, 0.41%; 22 homozygotes.

Submission:

CeGaT Center for Human Genetics Tuebingen
Classification: Likely benign. Last evaluated: 2023-03-01. Review status: criteria provided, single submitter. Criteria: CeGaT Center For Human Genetics Tuebingen Variant Classification Criteria Version 2. Collection method: clinical testing. Allele origin: germline. Affected: yes. Observed: 1 variant allele.
Comment: FRMD8: BP4, BP7, BS2

NM_031904.5(FRMD8):c.1374C>T (p.Gly458=)

Gene: FRMD8 (FERM domain containing 8; plus strand). Cytogenetic location: 11q13.1.
Variant type: single nucleotide variant.
Coding change: c.1374C>T on transcript NM_031904.5 (MANE Select); coding-DNA position 1374, C replaced by T.
Protein change: p.Gly458=; no amino-acid change (glycine 458 retained).
Molecular consequence: synonymous variant.
Genome position (GRCh38, 1-based): chr11:65,411,339, C>T. VCF-style: chr11-65411339-C-T. GRCh37 (hg19) VCF-style: chr11-65178810-C-T.
Other names: c.1206C>T, p.Gly402= (NM_001300832.3); c.1272C>T, p.Gly424= (NM_001300833.3).
Identifiers: ClinVar variation 2641956 (VCV002641956.24), dbSNP rs61755084, ClinGen allele CA6096650.